The following is an entry in ClinVar:

ClinVar aggregate classification (germline): Benign/Likely benign. Review status: criteria provided, multiple submitters, no conflicts (2 of 4 stars). 14 submissions from 14 submitters: Benign (9); Likely benign (4). 1 of the submissions does not count toward it. Last evaluated 2026-01-31.

Conditions:
TSC2-related disorder. Also called: TSC2-related condition; TSC2-Related Disorders.
Hereditary cancer-predisposing syndrome. Also called: Tumor predisposition; Neoplastic Syndromes, Hereditary; Hereditary neoplastic syndrome; Hereditary Cancer Syndrome. Identifiers: Orphanet 140162, MedGen C0027672, MeSH D009386, MONDO:0015356.
Tuberous sclerosis syndrome (TSC). Also called: Tuberous Sclerosis Complex; Tuberous sclerosis. Identifiers: Orphanet 805, MedGen C0041341, MONDO:0001734.
Tuberous sclerosis 2 (TSC2). Identifiers: Orphanet 805, MedGen C1860707, MONDO:0013199, OMIM 613254.

Allele frequency attached by ClinVar (database versions not stated): gnomAD exomes 0.00003 and 0.00009; ExAC 0.00009; ESP Exome Variant Server 0.00023; gnomAD 0.00028 and 0.00029; TOPMed 0.00028; 1000 Genomes Project 30x 0.00031; 1000 Genomes Project 0.00040.
gnomAD v4.1: 87 of 1,612,696 alleles (0.0054%); highest among the groups gnomAD compares: African/African-American, 0.1%; no homozygotes.

Submissions (14):

Labcorp Genetics (formerly Invitae), Labcorp
Classification: Benign for Tuberous sclerosis 2. Last evaluated: 2026-01-31. Review status: criteria provided, single submitter. Criteria: Invitae Variant Classification Sherloc (09022015). Collection method: clinical testing. Allele origin: germline.

Myriad Genetics, Inc.
Classification: Benign for Tuberous sclerosis 2. Last evaluated: 2025-06-04. Review status: criteria provided, single submitter. Criteria: Myriad Autosomal Dominant, Autosomal Recessive and X-Linked Classification Criteria (2023). Collection method: clinical testing. Allele origin: unknown.
Comment: This variant is considered benign. This variant is a silent/synonymous amino acid change and it is not expected to impact splicing.

Blueprint Genetics
Classification: Likely benign. Last evaluated: 2024-09-06. Review status: criteria provided, single submitter. Criteria: ACMG Guidelines, 2015. Collection method: clinical testing. Allele origin: germline.

Ambry Genetics
Classification: Benign for Hereditary cancer-predisposing syndrome. Last evaluated: 2024-08-27. Review status: criteria provided, single submitter. Criteria: Ambry Variant Classification Scheme 2023. Collection method: clinical testing. Allele origin: germline.

Women's Health and Genetics/Laboratory Corporation of America, LabCorp
Classification: Benign. Last evaluated: 2024-07-09. Review status: criteria provided, single submitter. Criteria: LabCorp Variant Classification Summary - May 2015. Collection method: clinical testing. Allele origin: germline.

All of Us Research Program, National Institutes of Health
Classification: Likely benign for Tuberous sclerosis syndrome. Last evaluated: 2023-12-18. Review status: criteria provided, single submitter. Criteria: ACMG Guidelines, 2015. Collection method: clinical testing. Allele origin: germline. Inheritance: Autosomal dominant inheritance. Observed: 11 variant alleles, 11 heterozygotes.
Comment: This study involves interpretation of variants in research participants for the purpose of population health screening. Participant phenotype was not available at the time of variant classification. Additional details can be found in publication PMID: 35346344, PMCID: PMC8962531

Color Diagnostics, LLC DBA Color Health
Classification: Likely benign for Tuberous sclerosis syndrome. Last evaluated: 2022-11-06. Review status: criteria provided, single submitter. Criteria: ACMG Guidelines, 2015. Collection method: clinical testing. Allele origin: germline.

Genome-Nilou Lab
Classification: Benign for Tuberous sclerosis 2. Last evaluated: 2021-11-07. Review status: criteria provided, single submitter. Criteria: ACMG Guidelines, 2015. Collection method: clinical testing. Allele origin: germline. Affected: no.

Sema4
Classification: Benign for Hereditary cancer-predisposing syndrome. Last evaluated: 2020-10-04. Review status: criteria provided, single submitter. Criteria: Sema4 Curation Guidelines. Collection method: curation. Allele origin: germline.

GeneDx
Classification: Benign. Last evaluated: 2019-07-24. Review status: criteria provided, single submitter. Criteria: GeneDx Variant Classification Process June 2021. Collection method: clinical testing. Allele origin: germline. Affected: yes.

Athena Diagnostics
Classification: Benign. Last evaluated: 2018-03-02. Review status: criteria provided, single submitter. Criteria: Athena Diagnostics Criteria. Collection method: clinical testing. Allele origin: germline.

Quest Diagnostics Nichols Institute San Juan Capistrano
Classification: Benign. Last evaluated: 2018-03-02. Review status: criteria provided, single submitter. Criteria: Quest Diagnostics criteria. Collection method: clinical testing. Allele origin: unknown.

Genetic Services Laboratory, University of Chicago
Classification: Likely benign. Last evaluated: 2015-10-15. Review status: criteria provided, single submitter. Criteria: ACMG Guidelines, 2015. Collection method: clinical testing. Allele origin: germline. Affected: no.

PreventionGenetics, part of Exact Sciences
Classification: Likely benign for TSC2-related condition. Last evaluated: 2020-10-12. Review status: no assertion criteria provided. Collection method: clinical testing. Allele origin: germline. Not counted in ClinVar's aggregate classification.
Comment: This variant is classified as likely benign based on ACMG/AMP sequence variant interpretation guidelines (Richards et al. 2015 PMID: 25741868, with internal and published modifications).

NM_000548.5(TSC2):c.4680C>T (p.Ala1560=)

Gene: TSC2 (TSC complex subunit 2; plus strand). Cytogenetic location: 16p13.3.
Variant type: single nucleotide variant.
Coding change: c.4680C>T on transcript NM_000548.5 (MANE Select); coding-DNA position 4680, C replaced by T.
Protein change: p.Ala1560=; no amino-acid change (alanine 1560 retained).
Molecular consequence: synonymous variant.
Genome position (GRCh38, 1-based): chr16:2,086,210, C>T. VCF-style: chr16-2086210-C-T. GRCh37 (hg19) VCF-style: chr16-2136211-C-T.
Other names: c.4479C>T, p.Ala1493= (NM_001077183.3); c.4611C>T, p.Ala1537= (NM_001114382.3); c.4371C>T, p.Ala1457= (NM_001318827.2); c.4335C>T, p.Ala1445= (NM_001318829.2); c.3948C>T, p.Ala1316= (NM_001318831.2); c.4512C>T, p.Ala1504= (NM_001318832.2); c.4482C>T, p.Ala1494= (NM_001363528.2); c.4548C>T, p.Ala1516= (NM_001370404.1); and 2 more.
Identifiers: ClinVar variation 184768 (VCV000184768.33), dbSNP rs139507276, ClinGen allele CA020894.
Genomic context (GRCh38, chr16:2,086,210, plus strand): 5'-GGCCCGGGAGTGATGCCACCCTGCCTCTCCCCTCTCCCCACAGAGCAACAGCGAGCTCGC[C>T]ATCCTGTCCAATGAGCATGGCTCCTACAGGTACACGGAGTTCCTGACGGGCCTGGGCCGG-3'
Protein context (NP_000539.2, residues 1550-1570): VGEGQSNSEL[Ala1560=]ILSNEHGSYR